The following is an entry in ClinVar:

NM_206933.4(USH2A):c.8884_8885delinsA (p.Leu2962fs)

Gene: USH2A (usherin; minus strand). Cytogenetic location: 1q41.
Variant type: Indel.
Coding change: c.8884_8885delinsA on transcript NM_206933.4 (MANE Select); coding-DNA positions 8884 to 8885, CT replaced by A.
Protein change: p.Leu2962fs; shifts the reading frame from leucine 2962.
Molecular consequence: frameshift variant.
Genome position (GRCh38, 1-based): chr1:215,845,994-215,845,995, AG replaced by T on the plus strand (CT replaced by A on the coding strand, the reverse complement: USH2A is on the minus strand). VCF-style: chr1-215845994-AG-T. GRCh37 (hg19) VCF-style: chr1-216019336-AG-T.
Other names: short protein forms L2962fs.
Identifiers: ClinVar variation 4817161 (VCV004817161.1).
Genomic context (GRCh38, chr1:215,845,994, plus strand): 5'-TGAGAGTTTACATCTGGCAAGATTTTTAGAGAGTCGTTTGAGGTAGCAGAACTCCAAAAA[AG>T]TGTGTAATATTCAACTTCACCTTGTAGGTCTTGAACAGCTGTCAACAATAAATGCAGGAC-3'

ClinVar aggregate classification (germline): Likely pathogenic (1 of 4 stars; one submission).

Conditions:
Usher syndrome type 2A. Also called: RETINAL DISEASE IN USHER SYNDROME TYPE IIA, MODIFIER OF; USHER SYNDROME, TYPE IIA. Identifiers: Orphanet 231178, Orphanet 886, MedGen C1848634, MONDO:0010169, OMIM 276901.

Submission:

Natera, Inc.
Classification: Likely pathogenic for Usher syndrome type 2A. Last evaluated: 2024-12-26. Review status: criteria provided, single submitter. Criteria: Natera Variant Classification Schema (03/2026). Collection method: clinical testing. Allele origin: germline.
Comment: The c.8884_8885delinsA variant in USH2A is a frameshift variant predicted to shift the reading frame beginning at codon 2962 and leads to a stop codon 12 codons downstream. This variant is expected to result in nonsense mediated decay, truncation, or a dysfunctional protein product. This variant is rare in the general population with a frequency below the threshold expected for the associated phenotype(s). Given the available evidence, this variant is classified as Likely Pathogenic.